The following is an entry in ClinVar:

NM_001046.3(SLC12A2):c.681C>T (p.Tyr227=)

Gene: SLC12A2 (solute carrier family 12 member 2; plus strand). Cytogenetic location: 5q23.3.
Variant type: single nucleotide variant.
Coding change: c.681C>T on transcript NM_001046.3 (MANE Select); coding-DNA position 681, C replaced by T.
Protein change: p.Tyr227=; no amino-acid change (tyrosine 227 retained).
Molecular consequence: synonymous variant. On other transcripts: non-coding transcript variant (1).
Genome position (GRCh38, 1-based): chr5:128,084,635, C>T. VCF-style: chr5-128084635-C-T. GRCh37 (hg19) VCF-style: chr5-127420327-C-T.
Other names: c.681C>T, p.Tyr227= (NM_001256461.2).
Identifiers: ClinVar variation 2174203 (VCV002174203.5), dbSNP rs114976399, ClinGen allele CA3392867.
Genomic context (GRCh38, chr5:128,084,635, plus strand): 5'-CTACTACCTGCGCACCTTCGGCCACAACACCATGGACGCTGTGCCCAGGATCGATCACTA[C>T]CGGCACACAGCCGCGCAGCTGGGCGAGAAGCTGCTCCGGCCTAGCCTGGCGGAGCTCCAC-3'
Protein context (NP_001037.1, residues 217-237): TMDAVPRIDH[Tyr227=]RHTAAQLGEK

ClinVar aggregate classification (germline): Benign/Likely benign. Review status: criteria provided, multiple submitters, no conflicts (2 of 4 stars). 2 submissions from 2 submitters: Benign (1); Likely benign (1). Last evaluated 2026-08-01.

Allele frequency attached by ClinVar (database versions not stated): gnomAD exomes 0.00004; ESP Exome Variant Server 0.00008; ExAC 0.00010; TOPMed 0.00022; gnomAD 0.00023; 1000 Genomes Project 0.00060; 1000 Genomes Project 30x 0.00062.
gnomAD v4.1: 100 of 1,613,394 alleles (0.0062%); highest among the groups gnomAD compares: African/African-American, 0.11%; no homozygotes.

Submissions (2):

CeGaT Center for Human Genetics Tuebingen
Classification: Likely benign. Last evaluated: 2026-08-01. Review status: criteria provided, single submitter. Criteria: CeGaT Center For Human Genetics Tuebingen Variant Classification Criteria Version 2. Collection method: clinical testing. Allele origin: germline. Affected: yes. Observed: 1 variant allele.
Comment: SLC12A2: BP4, BP7

Labcorp Genetics (formerly Invitae), Labcorp
Classification: Benign. Last evaluated: 2022-07-11. Review status: criteria provided, single submitter. Criteria: Invitae Variant Classification Sherloc (09022015). Collection method: clinical testing. Allele origin: germline.